The following is an entry in ClinVar:

ClinVar aggregate classification (germline): Likely pathogenic (1 of 4 stars; one submission).

Submission:

CeGaT Center for Human Genetics Tuebingen
Classification: Likely pathogenic. Last evaluated: 2025-03-01. Review status: criteria provided, single submitter. Criteria: CeGaT Center For Human Genetics Tuebingen Variant Classification Criteria Version 2. Collection method: clinical testing. Allele origin: germline. Affected: yes. Observed: 1 variant allele.
Comment: SDHA: PM2, PM3, PVS1:Moderate

NM_004168.4(SDHA):c.248C>T (p.Ala83Val)

Gene: SDHA (succinate dehydrogenase complex flavoprotein subunit A; plus strand). Cytogenetic location: 5p15.33.
Variant type: single nucleotide variant.
Coding change: c.248C>T on transcript NM_004168.4 (MANE Select); coding-DNA position 248, C replaced by T.
Protein change: p.Ala83Val; replaces alanine 83 with valine.
Molecular consequence: missense variant.
Genome position (GRCh38, 1-based): chr5:224,457, C>T. VCF-style: chr5-224457-C-T. GRCh37 (hg19) VCF-style: chr5-224572-C-T.
Other names: c.248C>T, p.Ala83Val (NM_001294332.2, NM_001330758.2); short protein forms A83V.
Identifiers: ClinVar variation 3778315 (VCV003778315.7).
Genomic context (GRCh38, chr5:224,457, plus strand): 5'-ATGCAGTGGTGGTAGGCGCTGGAGGGGCAGGCTTGCGAGCTGCATTTGGCCTTTCTGAGG[C>T]AGGGTTTAATACAGCATGTGTTACCAAGCTGTTTCCTACCAGGTCACACACTGTTGCAGC-3'
Protein context (NP_004159.2, residues 73-93): GLRAAFGLSE[Ala83Val]GFNTACVTKL